The following is an entry in ClinVar:

NM_000540.3(RYR1):c.12842G>C (p.Gly4281Ala)

Gene: RYR1 (ryanodine receptor 1; plus strand). Cytogenetic location: 19q13.2.
Variant type: single nucleotide variant.
Coding change: c.12842G>C on transcript NM_000540.3 (MANE Select); coding-DNA position 12842, G replaced by C.
Protein change: p.Gly4281Ala; replaces glycine 4281 with alanine.
Molecular consequence: missense variant.
Genome position (GRCh38, 1-based): chr19:38,565,176, G>C. VCF-style: chr19-38565176-G-C. GRCh37 (hg19) VCF-style: chr19-39055816-G-C.
Other names: c.12827G>C, p.Gly4276Ala (NM_001042723.2); short protein forms G4276A, G4281A.
Identifiers: ClinVar variation 836541 (VCV000836541.9), dbSNP rs754173025, ClinGen allele CA308109264.

ClinVar aggregate classification (germline): Uncertain significance (1 of 4 stars; one submission).

Conditions:
RYR1-related disorder. Also called: RYR1-related disorders; RYR1-related condition. Identifiers: MedGen CN239331.

Allele frequency attached by ClinVar (database versions not stated): TOPMed 0.00002.
gnomAD v4.1: 24 of 1,195,820 alleles (0.002%); highest among the groups gnomAD compares: East Asian, 0.0038%; no homozygotes.

Submission:

Labcorp Genetics (formerly Invitae), Labcorp
Classification: Uncertain significance for RYR1-related disorder. Last evaluated: 2025-08-21. Review status: criteria provided, single submitter. Criteria: Invitae Variant Classification Sherloc (09022015). Collection method: clinical testing. Allele origin: germline.
Comment: This sequence change replaces glycine, which is neutral and non-polar, with alanine, which is neutral and non-polar, at codon 4281 of the RYR1 protein (p.Gly4281Ala). This variant is not present in population databases (gnomAD no frequency). This variant has not been reported in the literature in individuals affected with RYR1-related conditions. ClinVar contains an entry for this variant (Variation ID: 836541). Invitae Evidence Modeling of protein sequence and biophysical properties (such as structural, functional, and spatial information, amino acid conservation, physicochemical variation, residue mobility, and thermodynamic stability) indicates that this missense variant is not expected to disrupt RYR1 protein function with a negative predictive value of 95%. In summary, the available evidence is currently insufficient to determine the role of this variant in disease. Therefore, it has been classified as a Variant of Uncertain Significance.